The following is an entry in ClinVar:

ClinVar aggregate classification (germline): Uncertain significance. Review status: criteria provided, multiple submitters, no conflicts (2 of 4 stars). 3 submissions from 2 submitters: Uncertain significance (3). Last evaluated 2025-12-10.

Conditions:
Cone-rod dystrophy 16 (CORD16). Identifiers: MedGen C3281045, MONDO:0013786, OMIM 614500.
Retinitis pigmentosa (RP). Identifiers: Orphanet 791, MedGen C0035334, MeSH D012174, MONDO:0019200, OMIM 268000. Inheritance: Autosomal dominant, autosomal recessive and X linked inheritance.

Allele frequency attached by ClinVar (database versions not stated): gnomAD 0.00002 and 0.00003; TOPMed 0.00003; 1000 Genomes Project 30x 0.00016; 1000 Genomes Project 0.00020.

Submissions (3):

Greenwood Genetic Center Diagnostic Laboratories, Greenwood Genetic Center
Classification: Uncertain significance. Last evaluated: 2025-12-10. Review status: criteria provided, single submitter. Criteria: ACMG Guidelines, 2015. Collection method: clinical testing. Allele origin: germline. Affected: yes.
Comment: PM2

Illumina Laboratory Services, Illumina
Classification: Uncertain significance for Retinitis pigmentosa. Last evaluated: 2018-01-12. Review status: criteria provided, single submitter. Criteria: ICSL Variant Classification Criteria 13 December 2019. Collection method: clinical testing. Allele origin: germline.

Illumina Laboratory Services, Illumina
Classification: Uncertain significance for Cone-rod dystrophy 16. Last evaluated: 2018-01-12. Review status: criteria provided, single submitter. Criteria: ICSL Variant Classification Criteria 13 December 2019. Collection method: clinical testing. Allele origin: germline.

NM_177965.4(CFAP418):c.*408G>A

Gene: CFAP418 (cilia and flagella associated protein 418; minus strand). Cytogenetic location: 8q22.1.
Variant type: single nucleotide variant.
Coding change: c.*408G>A on transcript NM_177965.4 (MANE Select); 408 bases downstream of the stop codon, G replaced by A.
Molecular consequence: 3 prime UTR variant.
Genome position (GRCh38, 1-based): chr8:95,247,209, C>T on the plus strand (G>A on the coding strand, the complement: CFAP418 is on the minus strand). VCF-style: chr8-95247209-C-T. GRCh37 (hg19) VCF-style: chr8-96259437-C-T.
Other names: c.*408G>A (NM_001363260.1).
Identifiers: ClinVar variation 363996 (VCV000363996.6), dbSNP rs561848397, ClinGen allele CA10628438.